The following is an entry in ClinVar:

NM_000257.4(MYH7):c.2938G>C (p.Glu980Gln)

Gene: MYH7 (myosin heavy chain 7; minus strand). Cytogenetic location: 14q11.2.
Variant type: single nucleotide variant.
Coding change: c.2938G>C on transcript NM_000257.4 (MANE Select); coding-DNA position 2938, G replaced by C.
Protein change: p.Glu980Gln; replaces glutamic acid 980 with glutamine.
Molecular consequence: missense variant.
Genome position (GRCh38, 1-based): chr14:23,423,708, C>G on the plus strand (G>C on the coding strand, the complement: MYH7 is on the minus strand). VCF-style: chr14-23423708-C-G. GRCh37 (hg19) VCF-style: chr14-23892917-C-G.
Other names: c.2938G>C, p.Glu980Gln (NM_001407004.1); short protein forms E980Q.
Identifiers: ClinVar variation 4758684 (VCV004758684.1).

ClinVar aggregate classification (germline): Uncertain significance (1 of 4 stars; one submission).

Conditions:
Cardiomyopathy (CMYO). Also called: Cardiomyopathies. Identifiers: Orphanet 167848, MedGen C0878544, MONDO:0004994, HP:0001638. Inheritance: Various modes of inheritance.

Submission:

Color Diagnostics, LLC DBA Color Health
Classification: Uncertain significance for Cardiomyopathy. Last evaluated: 2025-05-20. Review status: criteria provided, single submitter. Criteria: ACMG Guidelines, 2015. Collection method: clinical testing. Allele origin: germline.
Comment: This missense variant replaces glutamic acid with glutamine at codon 980 of the MYH7 protein. Computational prediction is inconclusive regarding the impact of this variant on protein structure and function. To our knowledge, functional studies have not been reported for this variant. This variant has not been reported in individuals affected with MYH7-related disorders in the literature. This variant has not been identified in the general population by the Genome Aggregation Database (gnomAD). The available evidence is insufficient to determine the role of this variant in disease conclusively. Therefore, this variant is classified as a Variant of Uncertain Significance.